The following is an entry in ClinVar:

NM_004211.5(SLC6A5):c.187C>T (p.Gln63Ter)

Gene: SLC6A5 (solute carrier family 6 member 5; plus strand). Cytogenetic location: 11p15.1.
Variant type: single nucleotide variant.
Coding change: c.187C>T on transcript NM_004211.5 (MANE Select); coding-DNA position 187, C replaced by T.
Protein change: p.Gln63Ter; replaces glutamine 63 with a stop codon.
Molecular consequence: nonsense. On other transcripts: 5 prime UTR variant (1).
Genome position (GRCh38, 1-based): chr11:20,601,312, C>T. VCF-style: chr11-20601312-C-T. GRCh37 (hg19) VCF-style: chr11-20622858-C-T.
Other names: c.-377C>T (NM_001318369.2); short protein forms Q63*.
Identifiers: ClinVar variation 1457208 (VCV001457208.8), dbSNP rs1474968844, ClinGen allele CA379911273.

ClinVar aggregate classification (germline): Conflicting classifications of pathogenicity. Review status: criteria provided, conflicting classifications (1 of 4 stars). 2 submissions from 2 submitters: Pathogenic (1); Uncertain significance (1). Last evaluated 2022-06-13.

Conditions:
Hyperekplexia 3 (HKPX3). Also called: HYPEREKPLEXIA 3, AUTOSOMAL RECESSIVE; HYPEREKPLEXIA 3, AUTOSOMAL DOMINANT. Identifiers: Orphanet 3197, MedGen C3553288, MONDO:0013827, OMIM 614618.

Allele frequency attached by ClinVar (database versions not stated): gnomAD exomes below 0.00001 and 0.00001; TOPMed below 0.00001; gnomAD 0.00001.
gnomAD v4.1: 4 of 1,592,540 alleles (0.00025%); highest among the groups gnomAD compares: Admixed American, 0.0051%; no homozygotes.

Submissions (2):

Labcorp Genetics (formerly Invitae), Labcorp
Classification: Pathogenic for Hyperekplexia 3. Last evaluated: 2022-06-13. Review status: criteria provided, single submitter. Criteria: Invitae Variant Classification Sherloc (09022015). Collection method: clinical testing. Allele origin: germline.
Comment: This sequence change creates a premature translational stop signal (p.Gln63*) in the SLC6A5 gene. It is expected to result in an absent or disrupted protein product. Loss-of-function variants in SLC6A5 are known to be pathogenic (PMID: 14622583, 16751771, 22700964). For these reasons, this variant has been classified as Pathogenic. This variant has not been reported in the literature in individuals affected with SLC6A5-related conditions. The frequency data for this variant in the population databases is considered unreliable, as metrics indicate poor data quality at this position in the gnomAD database.

GeneDx
Classification: Uncertain significance. Last evaluated: 2022-04-18. Review status: criteria provided, single submitter. Criteria: GeneDx Variant Classification Process June 2021. Collection method: clinical testing. Allele origin: germline. Affected: yes.
Comment: Nonsense variant predicted to result in protein truncation or nonsense mediated decay in a gene for which loss of function is a known mechanism of disease; Has not been previously published as pathogenic or benign to our knowledge

Literature cited by the submitters: PubMed 14622583 (cited by Labcorp Genetics (formerly Invitae), Labcorp); PubMed 16751771 (cited by Labcorp Genetics (formerly Invitae), Labcorp); PubMed 22700964 (cited by Labcorp Genetics (formerly Invitae), Labcorp).